The following is an entry in ClinVar:

NM_001165963.4(SCN1A):c.4007T>G (p.Val1336Gly)

Genes: SCN1A (sodium voltage-gated channel alpha subunit 1; minus strand), LOC102724058 (uncharacterized LOC102724058; plus strand). Cytogenetic location: 2q24.3.
Variant type: single nucleotide variant.
Coding change: c.4007T>G on transcript NM_001165963.4 (MANE Select); coding-DNA position 4007, T replaced by G.
Protein change: p.Val1336Gly; replaces valine 1336 with glycine.
Molecular consequence: missense variant. On other transcripts: non-coding transcript variant (1).
Genome position (GRCh38, 1-based): chr2:166,002,749, A>C on the plus strand (T>G on the coding strand, the complement: SCN1A is on the minus strand). VCF-style: chr2-166002749-A-C. GRCh37 (hg19) VCF-style: chr2-166859259-A-C.
Other names: c.3923T>G, p.Val1308Gly (NM_001165964.3, NM_001353957.2, NM_001353958.2); c.4007T>G, p.Val1336Gly (NM_001202435.3, NM_001353948.2); c.3974T>G, p.Val1325Gly (NM_001353949.2, NM_001353950.2, NM_001353951.2 and 2 more transcripts); c.3971T>G, p.Val1324Gly (NM_001353954.2, NM_001353955.2); c.3920T>G, p.Val1307Gly (NM_001353960.2); c.1565T>G, p.Val522Gly (NM_001353961.2); short protein forms V1308G, V1325G, V1307G, V1336G, V522G, V1324G.
Identifiers: ClinVar variation 870154 (VCV000870154.1), dbSNP rs1691097432, ClinGen allele CA349050873.

ClinVar aggregate classification (germline): Uncertain significance (1 of 4 stars; one submission).

Conditions:
Severe myoclonic epilepsy in infancy (DRVT). Also called: Dravet syndrome; Epileptic encephalopathy, early infantile, 6 (Dravet syndrome); DEVELOPMENTAL AND EPILEPTIC ENCEPHALOPATHY 6A; Severe Myoclonic Epilepsy in Infancy (SMEI); SEVERE MYOCLONIC EPILEPSY OF INFANCY. Identifiers: Orphanet 33069, MedGen C0751122, MONDO:0100135, OMIM 607208.

Submission:

Laboratory of Inherited Metabolic Diseases, Research centre for medical genetics
Classification: Uncertain significance for Severe myoclonic epilepsy in infancy. Last evaluated: 2020-02-14. Review status: criteria provided, single submitter. Criteria: ACMG Guidelines, 2015. Collection method: clinical testing. Allele origin: unknown. Inheritance: Autosomal dominant inheritance. Affected: yes.
Comment: found in compound heterozygous with c.4376G>A (p.Gly1459Glu)